The following is an entry in ClinVar:

ClinVar aggregate classification (germline): Likely pathogenic (1 of 4 stars; one submission).

Submission:

Labcorp Genetics (formerly Invitae), Labcorp
Classification: Likely pathogenic. Last evaluated: 2023-08-10. Review status: criteria provided, single submitter. Criteria: Invitae Variant Classification Sherloc (09022015). Collection method: clinical testing. Allele origin: germline.
Comment: In summary, the currently available evidence indicates that the variant is pathogenic, but additional data are needed to prove that conclusively. Therefore, this variant has been classified as Likely Pathogenic. Algorithms developed to predict the effect of sequence changes on RNA splicing suggest that this variant may disrupt the consensus splice site. ClinVar contains an entry for this variant (Variation ID: 2111657). This variant has not been reported in the literature in individuals affected with PDE6C-related conditions. This variant is not present in population databases (gnomAD no frequency). This sequence change affects an acceptor splice site in intron 16 of the PDE6C gene. It is expected to disrupt RNA splicing. Variants that disrupt the donor or acceptor splice site typically lead to a loss of protein function (PMID: 16199547), and loss-of-function variants in PDE6C are known to be pathogenic (PMID: 19887631, 23776498, 26103963, 30080950).

Literature cited by the submitters: PubMed 16199547; PubMed 19887631; PubMed 23776498; PubMed 26103963; PubMed 30080950.

NM_006204.4(PDE6C):c.2037-1G>C

Gene: PDE6C (phosphodiesterase 6C; plus strand). Cytogenetic location: 10q23.33.
Variant type: single nucleotide variant.
Coding change: c.2037-1G>C on transcript NM_006204.4 (MANE Select); the canonical splice acceptor site of the intron before coding-DNA position 2037, G replaced by C.
Molecular consequence: splice acceptor variant.
Genome position (GRCh38, 1-based): chr10:93,658,900, G>C. VCF-style: chr10-93658900-G-C. GRCh37 (hg19) VCF-style: chr10-95418657-G-C.
Identifiers: ClinVar variation 2111657 (VCV002111657.4), dbSNP rs2492563568, ClinGen allele CA377624406.
Genomic context (GRCh38, chr10:93,658,900, plus strand): 5'-AAGATATTTTTTCTCTCTTTTCATAAGCTAAAATTGTTGCTCACAGCTGTATCTTTTCTA[G>C]GAAGAGGACCATGTTTCAAAAAATTGTTGATGCCTGTGAACAAATGCAAACGGAAGAAGA-3'